The following is an entry in ClinVar:

NM_007294.4(BRCA1):c.2898del (p.Thr967fs)

Gene: BRCA1 (BRCA1 DNA repair associated; minus strand). Cytogenetic location: 17q21.31.
Variant type: Deletion.
Coding change: c.2898del on transcript NM_007294.4 (MANE Select); coding-DNA position 2898, one base deleted (T; older notation c.2898delT).
Protein change: p.Thr967fs; shifts the reading frame from threonine 967.
Molecular consequence: frameshift variant. On other transcripts: intron variant (137).
Genome position (GRCh38, 1-based): chr17:43,092,633, A deleted on the plus strand (T on the coding strand, the reverse complement: BRCA1 is on the minus strand); the first of 2 consecutive A bases (chr17:43,092,633-43,092,634); deleting either gives the same sequence. VCF-style (leftmost placement, unchanged base first): chr17-43092632-TA-T. GRCh37 (hg19) VCF-style: chr17-41244649-TA-T.
Other names: c.2898delT (NM_007294.3); c.2685del, p.Thr896fs (NM_001407571.1, NM_001407853.1, NM_001407894.1 and 9 more transcripts); c.2898del, p.Thr967fs (NM_001407581.1, NM_001407582.1, NM_001407583.1 and 30 more transcripts); c.2895del, p.Thr966fs (NM_001407587.1, NM_001407590.1, NM_001407591.1 and 22 more transcripts); c.2889del, p.Thr964fs (NM_001407646.1, NM_001407647.1); c.2775del, p.Thr926fs (NM_001407648.1, NM_001407664.1, NM_001407665.1 and 19 more transcripts); c.2772del, p.Thr925fs (NM_001407649.1, NM_001407670.1, NM_001407671.1 and 11 more transcripts); c.2820del, p.Thr941fs (NM_001407653.1, NM_001407654.1, NM_001407655.1 and 4 more transcripts); and 42 more; short protein forms T967fs, T920fs, T941fs, T966fs, T799fs, T855fs, T897fs, T925fs.
Identifiers: ClinVar variation 254420 (VCV000254420.5), dbSNP rs886038005, ClinGen allele CA10586638.

ClinVar aggregate classification (germline): Pathogenic. Review status: reviewed by expert panel (3 of 4 stars). 3 submissions from 3 submitters: Pathogenic (1). 2 of the submissions do not count toward it. Last evaluated 2016-09-08.

Conditions:
Breast-ovarian cancer, familial, susceptibility to, 1 (BROVCA1). Also called: BRCA1 Hereditary Breast and Ovarian Cancer; OVARIAN CANCER, SUSCEPTIBILITY TO. Identifiers: Orphanet 145, MedGen C2676676, MONDO:0011450, OMIM 604370. Disease mechanism: loss of function.

Submissions (3):

Evidence-based Network for the Interpretation of Germline Mutant Alleles (ENIGMA)
Classification: Pathogenic for Breast-ovarian cancer, familial, susceptibility to, 1. Last evaluated: 2016-09-08. Review status: reviewed by expert panel. Criteria: ENIGMA BRCA1/2 Classification Criteria (2015). Collection method: curation. Allele origin: germline.
Comment: Variant allele predicted to encode a truncated non-functional protein.

Consortium of Investigators of Modifiers of BRCA1/2 (CIMBA), c/o University of Cambridge
Classification: Pathogenic for Breast-ovarian cancer, familial, susceptibility to, 1. Last evaluated: 2015-10-02. Review status: criteria provided, single submitter. Criteria: CIMBA Mutation Classification guidelines May 2016. Collection method: clinical testing. Allele origin: germline. Not counted in ClinVar's aggregate classification.

BRCAlab, Lund University
Classification: Pathogenic for Breast-ovarian cancer, familial, susceptibility to, 1. Last evaluated: 2020-03-02. Review status: no assertion criteria provided. Collection method: clinical testing. Allele origin: germline. Affected: yes. Not counted in ClinVar's aggregate classification.